The following is an entry in ClinVar:

ClinVar aggregate classification (germline): Uncertain significance. Review status: criteria provided, multiple submitters, no conflicts (2 of 4 stars). 2 submissions from 2 submitters: Uncertain significance (2). Last evaluated 2022-02-21.

Conditions:
DK1-congenital disorder of glycosylation. Also called: DOLK-congenital disorder of glycosylation; Carbohydrate deficient glycoprotein syndrome type 1m; CONGENITAL DISORDER OF GLYCOSYLATION, TYPE Im; CDG Im; DK1 DEFICIENCY; DOLICHOL KINASE DEFICIENCY. Identifiers: Orphanet 91131, MedGen C1835849, MONDO:0012556, OMIM 610768.
Cardiovascular phenotype. Identifiers: MedGen CN230736.

Allele frequency attached by ClinVar (database versions not stated): gnomAD exomes 0.00001; gnomAD 0.00002; TOPMed 0.00003.

Submissions (2):

Labcorp Genetics (formerly Invitae), Labcorp
Classification: Uncertain significance for DK1-congenital disorder of glycosylation. Last evaluated: 2022-02-21. Review status: criteria provided, single submitter. Criteria: Invitae Variant Classification Sherloc (09022015). Collection method: clinical testing. Allele origin: germline.
Comment: This sequence change replaces threonine, which is neutral and polar, with alanine, which is neutral and non-polar, at codon 138 of the DOLK protein (p.Thr138Ala). This variant is present in population databases (no rsID available, gnomAD 0.01%). This variant has not been reported in the literature in individuals affected with DOLK-related conditions. ClinVar contains an entry for this variant (Variation ID: 657537). Algorithms developed to predict the effect of missense changes on protein structure and function (SIFT, PolyPhen-2, Align-GVGD) all suggest that this variant is likely to be tolerated. In summary, the available evidence is currently insufficient to determine the role of this variant in disease. Therefore, it has been classified as a Variant of Uncertain Significance.

Ambry Genetics
Classification: Uncertain significance for Cardiovascular phenotype. Last evaluated: 2019-08-15. Review status: criteria provided, single submitter. Criteria: Ambry Variant Classification Scheme 2023. Collection method: clinical testing. Allele origin: germline.
Comment: The p.T138A variant (also known as c.412A>G), located in coding exon 1 of the DOLK gene, results from an A to G substitution at nucleotide position 412. The threonine at codon 138 is replaced by alanine, an amino acid with similar properties. This amino acid position is well conserved in available vertebrate species; however, alanine is the reference amino acid in other vertebrate species. In addition, this alteration is predicted to be tolerated by in silico analysis. Since supporting evidence is limited at this time, the clinical significance of this alteration remains unclear.

NM_014908.4(DOLK):c.412A>G (p.Thr138Ala)

Gene: DOLK (dolichol kinase; minus strand). Cytogenetic location: 9q34.11.
Variant type: single nucleotide variant.
Coding change: c.412A>G on transcript NM_014908.4 (MANE Select); coding-DNA position 412, A replaced by G.
Protein change: p.Thr138Ala; replaces threonine 138 with alanine.
Molecular consequence: missense variant.
Genome position (GRCh38, 1-based): chr9:128,946,892, T>C on the plus strand (A>G on the coding strand, the complement: DOLK is on the minus strand). VCF-style: chr9-128946892-T-C. GRCh37 (hg19) VCF-style: chr9-131709171-T-C.
Other names: short protein forms T138A.
Identifiers: ClinVar variation 657537 (VCV000657537.6), dbSNP rs933514904, ClinGen allele CA200445302.